The following is an entry in ClinVar:

NM_000426.4(LAMA2):c.4076T>C (p.Met1359Thr)

Gene: LAMA2 (laminin subunit alpha 2; plus strand). Cytogenetic location: 6q22.33.
Variant type: single nucleotide variant.
Coding change: c.4076T>C on transcript NM_000426.4 (MANE Select); coding-DNA position 4076, T replaced by C.
Protein change: p.Met1359Thr; replaces methionine 1359 with threonine.
Molecular consequence: missense variant.
Genome position (GRCh38, 1-based): chr6:129,320,555, T>C. VCF-style: chr6-129320555-T-C. GRCh37 (hg19) VCF-style: chr6-129641700-T-C.
Other names: c.4076T>C, p.Met1359Thr (NM_001079823.2); short protein forms M1359T.
Identifiers: ClinVar variation 1946692 (VCV001946692.2), dbSNP rs1250959080, ClinGen allele CA365612511.
Genomic context (GRCh38, chr6:129,320,555, plus strand): 5'-ACTGACTGTCATAGTAATCTAAGTACATTCTCGCTGTTTCTAGGATTTCTGAAATCTCAA[T>C]GGAGGTAGCTGAACAAGGACGTGGAACAACAATGACTCCTCCAGCTGACTTGATTGAAAA-3'
Protein context (NP_000417.3, residues 1349-1369): MRQSRISEIS[Met1359Thr]EVAEQGRGTT

ClinVar aggregate classification (germline): Uncertain significance (1 of 4 stars; one submission).

Conditions:
LAMA2-related muscular dystrophy (LAMA2-RD). Also called: Laminin alpha 2-related dystrophy. Identifiers: MedGen C5679788, MONDO:0100228.

Submission:

Labcorp Genetics (formerly Invitae), Labcorp
Classification: Uncertain significance for LAMA2-related muscular dystrophy. Last evaluated: 2022-08-05. Review status: criteria provided, single submitter. Criteria: Invitae Variant Classification Sherloc (09022015). Collection method: clinical testing. Allele origin: germline.
Comment: This sequence change replaces methionine, which is neutral and non-polar, with threonine, which is neutral and polar, at codon 1359 of the LAMA2 protein (p.Met1359Thr). This variant is not present in population databases (gnomAD no frequency). This variant has not been reported in the literature in individuals affected with LAMA2-related conditions. Advanced modeling of protein sequence and biophysical properties (such as structural, functional, and spatial information, amino acid conservation, physicochemical variation, residue mobility, and thermodynamic stability) performed at Invitae indicates that this missense variant is not expected to disrupt LAMA2 protein function. In summary, the available evidence is currently insufficient to determine the role of this variant in disease. Therefore, it has been classified as a Variant of Uncertain Significance.